The following is an entry in ClinVar:

NM_001354930.2(RIPK1):c.2T>A (p.Met1Lys)

Gene: RIPK1 (receptor interacting serine/threonine kinase 1; plus strand). Cytogenetic location: 6p25.2.
Variant type: single nucleotide variant.
Coding change: c.2T>A on transcript NM_001354930.2 (MANE Select); coding-DNA position 2, T replaced by A.
Protein change: p.Met1Lys; changes the start codon (methionine 1).
Molecular consequence: missense variant, initiator codon variant. On other transcripts: 5 prime UTR variant (4).
Genome position (GRCh38, 1-based): chr6:3,076,825, T>A. VCF-style: chr6-3076825-T-A. GRCh37 (hg19) VCF-style: chr6-3077059-T-A.
Other names: c.-602T>A (NM_001317061.3, NM_001354932.2, NM_001354933.2 and 1 more transcripts); c.2T>A, p.Met1Lys (NM_001354931.2, NM_003804.6); short protein forms M1K.
Identifiers: ClinVar variation 1432706 (VCV001432706.8), dbSNP rs1268713212, ClinGen allele CA362571868.

ClinVar aggregate classification (germline): Uncertain significance (1 of 4 stars; one submission).

Allele frequency attached by ClinVar (database versions not stated): TOPMed below 0.00001; gnomAD 0.00001.

Submission:

Labcorp Genetics (formerly Invitae), Labcorp
Classification: Uncertain significance. Last evaluated: 2025-12-16. Review status: criteria provided, single submitter. Criteria: Invitae Variant Classification Sherloc (09022015). Collection method: clinical testing. Allele origin: germline.
Comment: This sequence change affects the initiator codon of the RIPK1 mRNA. This change may impact translation initiation or efficiency. The next in-frame methionine is located at codon 5. This variant is not present in population databases (gnomAD no frequency). This variant has not been reported in the literature in individuals affected with RIPK1-related conditions. ClinVar contains an entry for this variant (Variation ID: 1432706). Experimental studies and prediction algorithms are not available or were not evaluated, and the functional significance of this variant is currently unknown. In summary, the available evidence is currently insufficient to determine the role of this variant in disease. Therefore, it has been classified as a Variant of Uncertain Significance.